The following is an entry in ClinVar:

ClinVar aggregate classification (germline): Pathogenic (1 of 4 stars; one submission).

Conditions:
Thrombocytopenia 1. Also called: THROMBOCYTOPENIA, X-LINKED, 1; X-linked thrombocytopenia with normal platelets; X-Linked Thrombocytopenia (XLT). Identifiers: Orphanet 268322, Orphanet 852, MedGen C1839163, MONDO:0010743, OMIM 313900.
Wiskott-Aldrich syndrome (WAS). Also called: Wiskott-aldrich syndrome, somatic; ALDRICH SYNDROME; IMMUNODEFICIENCY 2; WISKOTT-ALDRICH SYNDROME 1. Identifiers: Orphanet 906, MedGen C0043194, MONDO:0010518, OMIM 301000.
X-linked severe congenital neutropenia (SCNX). Identifiers: Orphanet 86788, MedGen C1845987, MONDO:0010294, OMIM 300299.

Submission:

Labcorp Genetics (formerly Invitae), Labcorp
Classification: Pathogenic for Wiskott-Aldrich syndrome; X-linked severe congenital neutropenia; Thrombocytopenia 1. Last evaluated: 2022-03-12. Review status: criteria provided, single submitter. Criteria: Invitae Variant Classification Sherloc (09022015). Collection method: clinical testing. Allele origin: germline.
Comment: This sequence change creates a premature translational stop signal (p.Gln20*) in the WAS gene. It is expected to result in an absent or disrupted protein product. Loss-of-function variants in WAS are known to be pathogenic (PMID: 15284122). This variant is not present in population databases (gnomAD no frequency). This premature translational stop signal has been observed in individual(s) with clinical features of Wiskott–Aldrich syndrome (PMID: 11442475, 21185603). For these reasons, this variant has been classified as Pathogenic.

Literature cited by the submitters: PubMed 15284122; PubMed 11442475; PubMed 21185603.

NM_000377.3(WAS):c.58C>T (p.Gln20Ter)

Gene: WAS (WASP actin nucleation promoting factor; plus strand). Cytogenetic location: Xp11.23.
Variant type: single nucleotide variant.
Coding change: c.58C>T on transcript NM_000377.3 (MANE Select); coding-DNA position 58, C replaced by T.
Protein change: p.Gln20Ter; replaces glutamine 20 with a stop codon.
Molecular consequence: nonsense.
Genome position (GRCh38, 1-based): chrX:48,683,911, C>T. VCF-style: chrX-48683911-C-T. GRCh37 (hg19) VCF-style: chrX-48542300-C-T.
Other names: short protein forms Q20*.
Identifiers: ClinVar variation 2138565 (VCV002138565.4), dbSNP rs797044477, ClinGen allele CA412865428.
Genomic context (GRCh38, chrX:48,683,911, plus strand): 5'-ACCATGAGTGGGGGCCCAATGGGAGGAAGGCCCGGGGGCCGAGGAGCACCAGCGGTTCAG[C>T]AGAACATACCCTCCACCCTCCTCCAGGACCACGAGAACCAGCGACTCTTTGAGATGCTTG-3'